The following is an entry in ClinVar:

NM_030665.4(RAI1):c.4867C>T (p.Pro1623Ser)

Gene: RAI1 (retinoic acid induced 1; plus strand). Cytogenetic location: 17p11.2.
Variant type: single nucleotide variant.
Coding change: c.4867C>T on transcript NM_030665.4 (MANE Select); coding-DNA position 4867, C replaced by T.
Protein change: p.Pro1623Ser; replaces proline 1623 with serine.
Molecular consequence: missense variant.
Genome position (GRCh38, 1-based): chr17:17,797,815, C>T. VCF-style: chr17-17797815-C-T. GRCh37 (hg19) VCF-style: chr17-17701129-C-T.
Other names: short protein forms P1623S.
Identifiers: ClinVar variation 4985871 (VCV004985871.1).
Genomic context (GRCh38, chr17:17,797,815, plus strand): 5'-AAGCGAGACGCGTTCACCACCATATGCACTGTTGTCAACTCCCCTGGAGATGCGCCCAAG[C>T]CCCACAGGAAGCCTTCCTCCTCTGCCTCCTCTTCCTCATCCTCGTCCTCGTTCTCCTTGG-3'
Protein context (NP_109590.3, residues 1613-1633): VVNSPGDAPK[Pro1623Ser]HRKPSSSASS

ClinVar aggregate classification (germline): Uncertain significance (1 of 4 stars; one submission).

Conditions:
RAI1-related disorder. Also called: RAI1-related condition.

gnomAD v4.1: 4 of 1,614,058 alleles (0.00025%); highest among the groups gnomAD compares: Admixed American, 0.0067%; no homozygotes.

Submission:

PreventionGenetics, part of Exact Sciences
Classification: Uncertain significance for RAI1-related condition. Last evaluated: 2026-01-02. Review status: criteria provided, single submitter. Criteria: ACMG Guidelines, 2015. Collection method: clinical testing. Allele origin: germline.
Comment: The RAI1 c.4867C>T variant is predicted to result in the amino acid substitution p.Pro1623Ser. To our knowledge, this variant has not been reported in the literature. This variant is reported in 0.0087% of alleles in individuals of Latino descent in gnomAD. At this time, the clinical significance of this variant is uncertain due to the absence of conclusive functional and genetic evidence.